The following is an entry in ClinVar:

NM_001369.3(DNAH5):c.8537C>T (p.Ala2846Val)

Gene: DNAH5 (dynein axonemal heavy chain 5; minus strand). Cytogenetic location: 5p15.2.
Variant type: single nucleotide variant.
Coding change: c.8537C>T on transcript NM_001369.3 (MANE Select); coding-DNA position 8537, C replaced by T.
Protein change: p.Ala2846Val; replaces alanine 2846 with valine.
Molecular consequence: missense variant.
Genome position (GRCh38, 1-based): chr5:13,788,826, G>A on the plus strand (C>T on the coding strand, the complement: DNAH5 is on the minus strand). VCF-style: chr5-13788826-G-A. GRCh37 (hg19) VCF-style: chr5-13788935-G-A.
Other names: short protein forms A2846V.
Identifiers: ClinVar variation 1763775 (VCV001763775.8), dbSNP rs200457834, ClinGen allele CA3202792.

ClinVar aggregate classification (germline): Conflicting classifications of pathogenicity. Review status: criteria provided, conflicting classifications (1 of 4 stars). 3 submissions from 3 submitters: Uncertain significance (2); Likely benign (1). Last evaluated 2026-01-12.

Conditions:
Primary ciliary dyskinesia. Also called: Ciliary dyskinesia. Identifiers: Orphanet 244, MedGen C0008780, MONDO:0016575, HP:0012265.
DNAH5-related disorder. Also called: DNAH5-related condition.

Allele frequency attached by ClinVar (database versions not stated): gnomAD 0.00001; gnomAD exomes 0.00004; TOPMed 0.00006; ExAC 0.00014.
gnomAD v4.1: 57 of 1,613,876 alleles (0.0035%); highest among the groups gnomAD compares: Admixed American, 0.038%; no homozygotes.

Submissions (3):

Labcorp Genetics (formerly Invitae), Labcorp
Classification: Likely benign for Primary ciliary dyskinesia. Last evaluated: 2026-01-12. Review status: criteria provided, single submitter. Criteria: Invitae Variant Classification Sherloc (09022015). Collection method: clinical testing. Allele origin: germline.

PreventionGenetics, part of Exact Sciences
Classification: Uncertain significance for DNAH5-related condition. Last evaluated: 2025-09-24. Review status: criteria provided, single submitter. Criteria: ACMG Guidelines, 2015. Collection method: clinical testing. Allele origin: germline.
Comment: The DNAH5 c.8537C>T variant is predicted to result in the amino acid substitution p.Ala2846Val. To our knowledge, this variant has not been reported in the literature. This variant is reported in 0.055% of alleles in individuals of Latino descent in gnomAD. At this time, the clinical significance of this variant is uncertain due to the absence of conclusive functional and genetic evidence.

Ambry Genetics
Classification: Uncertain significance for Primary ciliary dyskinesia. Last evaluated: 2022-05-06. Review status: criteria provided, single submitter. Criteria: Ambry Variant Classification Scheme 2023. Collection method: clinical testing. Allele origin: germline.
Comment: The p.A2846V variant (also known as c.8537C>T), located in coding exon 51 of the DNAH5 gene, results from a C to T substitution at nucleotide position 8537. The alanine at codon 2846 is replaced by valine, an amino acid with similar properties. This amino acid position is conserved. In addition, this alteration is predicted to be tolerated by in silico analysis. Since supporting evidence is limited at this time, the clinical significance of this alteration remains unclear.